The following is an entry in ClinVar:

ClinVar aggregate classification (germline): Uncertain significance (1 of 4 stars; one submission).

Conditions:
Duchenne muscular dystrophy (DMD). Also called: MUSCULAR DYSTROPHY, PSEUDOHYPERTROPHIC PROGRESSIVE, DUCHENNE TYPE; Duchenne Muscular Dystrophy (DMD). Identifiers: Orphanet 98896, MedGen C0013264, MONDO:0010679, OMIM 310200.

Submission:

Labcorp Genetics (formerly Invitae), Labcorp
Classification: Uncertain significance for Duchenne muscular dystrophy. Last evaluated: 2024-03-02. Review status: criteria provided, single submitter. Criteria: Invitae Variant Classification Sherloc (09022015). Collection method: clinical testing. Allele origin: germline.
Comment: This sequence change replaces proline, which is neutral and non-polar, with serine, which is neutral and polar, at codon 318 of the DMD protein (p.Pro318Ser). This variant is not present in population databases (gnomAD no frequency). This variant has not been reported in the literature in individuals affected with DMD-related conditions. Advanced modeling of protein sequence and biophysical properties (such as structural, functional, and spatial information, amino acid conservation, physicochemical variation, residue mobility, and thermodynamic stability) performed at Invitae indicates that this missense variant is not expected to disrupt DMD protein function with a negative predictive value of 95%. In summary, the available evidence is currently insufficient to determine the role of this variant in disease. Therefore, it has been classified as a Variant of Uncertain Significance.

NM_004006.3(DMD):c.952C>T (p.Pro318Ser)

Gene: DMD (dystrophin; minus strand). Cytogenetic location: Xp21.1.
Variant type: single nucleotide variant.
Coding change: c.952C>T on transcript NM_004006.3 (MANE Select); coding-DNA position 952, C replaced by T.
Protein change: p.Pro318Ser; replaces proline 318 with serine.
Molecular consequence: missense variant.
Genome position (GRCh38, 1-based): chrX:32,697,878, G>A on the plus strand (C>T on the coding strand, the complement: DMD is on the minus strand). VCF-style: chrX-32697878-G-A. GRCh37 (hg19) VCF-style: chrX-32715995-G-A.
Other names: c.928C>T, p.Pro310Ser (NM_000109.4); c.940C>T, p.Pro314Ser (NM_004009.3); c.583C>T, p.Pro195Ser (NM_004010.3); short protein forms P195S, P310S, P314S, P318S.
Identifiers: ClinVar variation 3634868 (VCV003634868.2).
Genomic context (GRCh38, chrX:32,697,878, plus strand): 5'-ATCTTGGAAGCAGTTCTCTGGTTTGTACAACAGAGAGTAAATGTTGACAGACCTGTGAAG[G>A]AAATGGGCTCCGTGTAGGGTCAGAGGTGGTGACATAAGCAGCCTGTGTGTAGGCATAGCT-3'
Protein context (NP_003997.2, residues 308-328): TTSDPTRSPF[Pro318Ser]SQHLEAPEDK